The following is an entry in ClinVar:

NM_001271.4(CHD2):c.4500A>T (p.Glu1500Asp)

Gene: CHD2 (chromodomain helicase DNA binding protein 2; plus strand). Cytogenetic location: 15q26.1.
Variant type: single nucleotide variant.
Coding change: c.4500A>T on transcript NM_001271.4 (MANE Select); coding-DNA position 4500, A replaced by T.
Protein change: p.Glu1500Asp; replaces glutamic acid 1500 with aspartic acid.
Molecular consequence: missense variant.
Genome position (GRCh38, 1-based): chr15:93,009,231, A>T. VCF-style: chr15-93009231-A-T. GRCh37 (hg19) VCF-style: chr15-93552461-A-T.
Other names: short protein forms E1500D.
Identifiers: ClinVar variation 421601 (VCV000421601.7), dbSNP rs776113114, ClinGen allele CA7748487.
Genomic context (GRCh38, chr15:93,009,231, plus strand): 5'-AAAGGCACTGAAACAGCTCGACAAACCTGACAAGGGGCTCAACGTGCAAGAACAGCTGGA[A>T]CACACCCGGAACTGCCTGCTGAAAATCGGAGACCGGATAGCCGAGTGCCTTAAAGCCTAC-3'
Protein context (NP_001262.3, residues 1490-1510): DKGLNVQEQL[Glu1500Asp]HTRNCLLKIG

ClinVar aggregate classification (germline): Conflicting classifications of pathogenicity. Review status: criteria provided, conflicting classifications (1 of 4 stars). 3 submissions from 3 submitters: Uncertain significance (2); Likely benign (1). Last evaluated 2024-02-22.

Conditions:
Developmental and epileptic encephalopathy 94 (DEE94). Also called: Epileptic encephalopathy, childhood-onset; CHD2-Related Neurodevelopmental Disorders. Identifiers: Orphanet 1942, Orphanet 2382, MedGen C3809278, MONDO:0014150, OMIM 615369.

Allele frequency attached by ClinVar (database versions not stated): ExAC 0.00007.
gnomAD v4.1: 37 of 1,614,234 alleles (0.0023%); highest among the groups gnomAD compares: South Asian, 0.041%; no homozygotes.

Submissions (3):

Labcorp Genetics (formerly Invitae), Labcorp
Classification: Likely benign for Developmental and epileptic encephalopathy 94. Last evaluated: 2024-02-22. Review status: criteria provided, single submitter. Criteria: Invitae Variant Classification Sherloc (09022015). Collection method: clinical testing. Allele origin: germline.

Revvity Omics, Revvity
Classification: Uncertain significance for Developmental and epileptic encephalopathy 94. Last evaluated: 2021-01-12. Review status: criteria provided, single submitter. Criteria: ACMG Guidelines, 2015. Collection method: clinical testing. Allele origin: germline.

GeneDx
Classification: Uncertain significance. Last evaluated: 2016-07-15. Review status: criteria provided, single submitter. Criteria: GeneDx Variant Classification (06012015). Collection method: clinical testing. Allele origin: germline. Affected: yes.
Comment: A variant of uncertain significance has been identified in the CHD2 gene. The E1500D variant has not been published as a pathogenic variant, nor has it been reported as a benign variant to our knowledge. It was not observed in approximately 6,500 individuals of European and African American ancestry in the NHLBI Exome Sequencing Project, indicating it is not a common benign variant in these populations. This substitution occurs at a position that is conserved in mammals. However, the E1500D variant is a conservative amino acid substitution, which is not likely to impact secondary protein structure as these residues share similar properties. In silico analysis is inconsistent in its predictions as to whether or not the variant is damaging to the protein structure/function. Therefore, based on the currently available information, it is unclear whether this variant is a pathogenic variant or a rare benign variant.